The following is an entry in ClinVar:

NM_001348716.2(KDM6B):c.3117_3119del (p.Gly1040del)

Gene: KDM6B (lysine demethylase 6B; plus strand). Cytogenetic location: 17p13.1.
Variant type: Deletion.
Coding change: c.3117_3119del on transcript NM_001348716.2 (MANE Select); coding-DNA positions 3117 to 3119, 3 bases deleted (CGG; older notation c.3117_3119delCGG).
Protein change: p.Gly1040del; deletes glycine 1040.
Genome position (GRCh38, 1-based): chr17:7,849,405-7,849,407, CGG deleted; deleting any 3 consecutive bases within chr17:7,849,403-7,849,407 gives the same sequence; the c. name uses the placement nearest the transcript's 3' end. VCF-style (leftmost placement, unchanged base first): chr17-7849402-TGGC-T. GRCh37 (hg19) VCF-style: chr17-7752720-TGGC-T.
Other names: c.3117_3119del, p.Gly1040del (NM_001080424.2); short protein forms G1040del.
Identifiers: ClinVar variation 3364798 (VCV003364798.1).

ClinVar aggregate classification (germline): Uncertain significance (1 of 4 stars; one submission).

Submission:

GeneDx
Classification: Uncertain significance. Last evaluated: 2023-11-25. Review status: criteria provided, single submitter. Criteria: GeneDx Variant Classification Process June 2021. Collection method: clinical testing. Allele origin: germline. Affected: yes.
Comment: Not observed at significant frequency in large population cohorts (gnomAD); In-frame deletion of 1 amino acid in a non-repeat region; In silico analysis supports that this variant does not alter protein structure/function; Has not been previously published as pathogenic or benign to our knowledge